The following is an entry in ClinVar:

NM_000478.6(ALPL):c.997+3A>G

Gene: ALPL (alkaline phosphatase, biomineralization associated; plus strand). Cytogenetic location: 1p36.12.
Variant type: single nucleotide variant.
Coding change: c.997+3A>G on transcript NM_000478.6 (MANE Select); 3 bases into the intron after coding-DNA position 997, A replaced by G.
Molecular consequence: intron variant.
Genome position (GRCh38, 1-based): chr1:21,573,802, A>G. VCF-style: chr1-21573802-A-G. GRCh37 (hg19) VCF-style: chr1-21900295-A-G.
Other names: c.997+3A>G (NM_001369805.2, NM_001369804.2, NM_001369803.2 and 1 more transcripts); c.832+3A>G (NM_001127501.4); c.766+3A>G (NM_001177520.3).
Identifiers: ClinVar variation 556327 (VCV000556327.5), dbSNP rs1553414147, ClinGen allele CA658820990.
Genomic context (GRCh38, chr1:21,573,802, plus strand): 5'-GTGGTGGCCATCCAGATCCTGCGGAAGAACCCCAAAGGCTTCTTCTTGCTGGTGGAAGGT[A>G]GGGACCCCGGGTCTGCTGAGAGGGGGCTGCTGGAAACACGGCCCTGGTGTCAGGATGGAG-3'

ClinVar aggregate classification (germline): Likely pathogenic. Review status: criteria provided, multiple submitters, no conflicts (2 of 4 stars). 3 submissions from 3 submitters: Likely pathogenic (2). 1 of the submissions does not count toward it. Last evaluated 2026-09-01.

Conditions:
Infantile hypophosphatasia. Identifiers: Orphanet 247651, Orphanet 436, MedGen C0268412, MONDO:1010169, OMIM 241500, MONDO:0009427.
Hypophosphatasia. Also called: Phosphoethanol-aminuria. Identifiers: Orphanet 436, MedGen C0020630, MeSH D007014, MONDO:0018570.

Submissions (3):

Genomenon, Inc
Classification: Likely pathogenic for Hypophosphatasia. Last evaluated: 2026-09-01. Review status: criteria provided, single submitter. Criteria: Genomenon Sequence Variant Interpretation Standards - Updated. Collection method: curation. Allele origin: germline. Affected: yes.
Comment: ALPL c.997+3A>G is an intronic variant located in the donor splice region of intron 9. This variant has been observed in at least one proband affected with an ALPL-related disorder (PMID:40000791;21713987). It has been observed in trans with a pathogenic or likely pathogenic variant in at least one individual (PMID:21713987). It is absent or not present at a significant frequency in gnomAD. In silico models predict that this variant is not damaging. In conclusion, we classify ALPL c.997+3A>G as a likely pathogenic variant.

Natera, Inc.
Classification: Likely pathogenic for Hypophosphatasia. Last evaluated: 2025-01-24. Review status: criteria provided, single submitter. Criteria: Natera Variant Classification Schema (03/2026). Collection method: clinical testing. Allele origin: germline.
Comment: The c.997+3A>G variant in ALPL is an intronic variant located outside the canonical splice sites. This variant is rare in the general population with a frequency below the threshold expected for the associated phenotype(s). This variant has been observed in one or more individuals affected with the associated recessive disease, as either homozygous or compound heterozygous with a second variant (PMID: 21713987, 32981126). Computational prediction algorithms indicate this variant is likely to affect gene or protein function. Given the available evidence, this variant is classified as Likely Pathogenic.

Counsyl
Classification: Uncertain significance for Infantile hypophosphatasia. Last evaluated: 2018-01-24. Review status: no assertion criteria provided. Collection method: clinical testing. Allele origin: unknown. Not counted in ClinVar's aggregate classification.

Literature cited by the submitters: PubMed 40000791 (cited by Genomenon, Inc); PubMed 21713987 (cited by Genomenon, Inc and Natera, Inc.); PubMed 32981126 (cited by Natera, Inc.); PubMed 25731960 (cited by Counsyl).